The following is an entry in ClinVar:

ClinVar aggregate classification (germline): VUS-low (0 of 4 stars; one submission).

Conditions:
Breast neoplasm. Also called: Neoplasm of breast; Breast tumor; Neoplasm of the breast; Breast Neoplasms. Identifiers: MedGen C1458155, MeSH D001943, MONDO:0021100, HP:0100013. Disease mechanism: gain of function.

gnomAD v4.1: 287,280 of 772,702 alleles (37%); highest among the groups gnomAD compares: East Asian, 70%; 120,426 homozygotes.

Submission:

Hdge Lab, Department of Biotechnology, Mizoram University
Classification: VUS-low for Breast neoplasm. Last evaluated: 2026-08-15. Review status: no assertion criteria provided. Collection method: case-control. Allele origin: germline. Affected: yes. Observed: 21 variant alleles.
Comment: The variant was classified according to the ACMG/AMP guidelines (PMID:25741868). The variant is classified as a VUS-Low based on conflicting evidence. BA1 is supported by the high population allele frequency of 37.18% (AC = 287,280; AN = 772,702). BS2 is supported by the observation of the variant in 120,426 homozygous individuals in population databases, providing substantial evidence against a highly penetrant breast cancer susceptibility effect. BP4 is supported by concordant computational predictions indicating a benign effect of the nonsynonymous variant. Conversely, PS4_supporting is supported by the observation of the variant in 21 of 49 breast cancer cases and 0 of 27 controls, demonstrating a significant association with breast cancer (OR = 41.4912; 95% CI = 2.3943-719; adjusted p = 0.000912874). However, the extremely high population allele frequency and large number of homozygous individuals are strongly discordant with a highly penetrant pathogenic breast cancer susceptibility allele. The significant case-control association therefore requires cautious interpretation and independent replication.

NM_000561.4(GSTM1):c.519G>C (p.Lys173Asn)

Gene: GSTM1 (glutathione S-transferase mu 1; plus strand). Cytogenetic location: 1p13.3.
Variant type: single nucleotide variant.
Coding change: c.519G>C on transcript NM_000561.4 (MANE Select); coding-DNA position 519, G replaced by C.
Protein change: p.Lys173Asn; replaces lysine 173 with asparagine.
Molecular consequence: missense variant. On other transcripts: intron variant (1).
Genome position (GRCh38, 1-based): chr1:109,690,516, G>C. VCF-style: chr1-109690516-G-C. GRCh37 (hg19) VCF-style: chr1-110233138-G-C.
Other names: c.456+150G>C (NM_146421.3); short protein forms K173N.
Identifiers: ClinVar variation 4891531 (VCV004891531.1), dbSNP rs1065411.